The following is an entry in ClinVar:

ClinVar aggregate classification (germline): Benign/Likely benign. Review status: criteria provided, multiple submitters, no conflicts (2 of 4 stars). 6 submissions from 6 submitters: Benign (3); Likely benign (1). 2 of the submissions do not count toward it. Last evaluated 2024-11-27.

Conditions:
Hereditary angioedema type 1 (HAE1). Identifiers: Orphanet 100050, Orphanet 100051, Orphanet 91378, MedGen C2717906, MONDO:0015053, OMIM 106100.

Allele frequency attached by ClinVar (database versions not stated): 1000 Genomes Project 0.01458; 1000 Genomes Project 30x 0.01530; ESP Exome Variant Server 0.02415; ExAC 0.02783; gnomAD exomes 0.02908 and 0.04325; TOPMed 0.02917; gnomAD 0.03114 and 0.03250.
gnomAD v4.1: 64,535 of 1,544,846 alleles (4.2%); highest among the groups gnomAD compares: Non-Finnish European, 4.9%; 1,559 homozygotes.

Submissions (6):

Blueprint Genetics
Classification: Likely benign. Last evaluated: 2024-11-27. Review status: criteria provided, single submitter. Criteria: ACMG Guidelines, 2015. Collection method: clinical testing. Allele origin: germline.

GeneDx
Classification: Benign. Last evaluated: 2019-06-13. Review status: criteria provided, single submitter. Criteria: GeneDx Variant Classification Process June 2021. Collection method: clinical testing. Allele origin: germline. Affected: yes.
Comment: This variant is associated with the following publications: (PMID: 16470590, 27884173, 29676077, 27116602, 23437219, 18586324, 20804470, 8755917)

Illumina Laboratory Services, Illumina
Classification: Benign for Hereditary angioedema type 1. Last evaluated: 2018-01-13. Review status: criteria provided, single submitter. Criteria: ICSL Variant Classification Criteria 13 December 2019. Collection method: clinical testing. Allele origin: germline.
Comment: This variant was observed in the ICSL laboratory as part of a predisposition screen in an ostensibly healthy population. It had not been previously curated by ICSL or reported in the Human Gene Mutation Database (HGMD: prior to June 1st, 2018), and was therefore a candidate for classification through an automated scoring system. Utilizing variant allele frequency, disease prevalence and penetrance estimates, and inheritance mode, an automated score was calculated to assess if this variant is too frequent to cause the disease. Based on the score and internal cut-off values, a variant classified as benign is not then subjected to further curation. The score for this variant resulted in a classification of benign for this disease.

Breakthrough Genomics
Classification: Benign. Review status: criteria provided, single submitter. Criteria: ACMG Guidelines, 2015. Collection method: not provided. Allele origin: germline. Inheritance: Autosomal recessive inheritance. Affected: yes.

Genome Diagnostics Laboratory, University Medical Center Utrecht
Classification: Likely benign. Review status: no assertion criteria provided. Collection method: clinical testing. Allele origin: germline. Affected: yes. Study: VKGL Data-share Consensus. Not counted in ClinVar's aggregate classification.

Joint Genome Diagnostic Labs from Nijmegen and Maastricht, Radboudumc and MUMC+
Classification: Benign. Review status: no assertion criteria provided. Collection method: clinical testing. Allele origin: germline. Affected: yes. Study: VKGL Data-share Consensus. Not counted in ClinVar's aggregate classification.

NM_000062.3(SERPING1):c.-21T>C

Gene: SERPING1 (serpin family G member 1; plus strand). Cytogenetic location: 11q12.1.
Variant type: single nucleotide variant.
Coding change: c.-21T>C on transcript NM_000062.3 (MANE Select); 21 bases upstream of the start codon, T replaced by C.
Molecular consequence: 5 prime UTR variant.
Genome position (GRCh38, 1-based): chr11:57,598,250, T>C. VCF-style: chr11-57598250-T-C. GRCh37 (hg19) VCF-style: chr11-57365723-T-C.
Other names: c.-21T>C (NM_001032295.2).
Identifiers: ClinVar variation 305015 (VCV000305015.11), dbSNP rs28362944, ClinGen allele CA6007942.